The following is an entry in ClinVar:

NM_015466.4(PTPN23):c.3544C>T (p.Arg1182Trp)

Gene: PTPN23 (protein tyrosine phosphatase non-receptor type 23; plus strand). Cytogenetic location: 3p21.31.
Variant type: single nucleotide variant.
Coding change: c.3544C>T on transcript NM_015466.4 (MANE Select); coding-DNA position 3544, C replaced by T.
Protein change: p.Arg1182Trp; replaces arginine 1182 with tryptophan.
Molecular consequence: missense variant.
Genome position (GRCh38, 1-based): chr3:47,411,342, C>T. VCF-style: chr3-47411342-C-T. GRCh37 (hg19) VCF-style: chr3-47452832-C-T.
Other names: c.3166C>T, p.Arg1056Trp (NM_001304482.2); c.3544C>T (NM_015466.2); short protein forms R1182W, R1056W.
Identifiers: ClinVar variation 1469719 (VCV001469719.7), dbSNP rs777169819, ClinGen allele CA2366302.

ClinVar aggregate classification (germline): Uncertain significance. Review status: criteria provided, multiple submitters, no conflicts (2 of 4 stars). 2 submissions from 2 submitters: Uncertain significance (2). Last evaluated 2025-08-28.

Conditions:
Inborn genetic diseases. Identifiers: MedGen C0950123, MeSH D030342.

Allele frequency attached by ClinVar (database versions not stated): gnomAD 0.00001; TOPMed 0.00001; gnomAD exomes 0.00002 and 0.00003; ExAC 0.00004.

Submissions (2):

Ambry Genetics
Classification: Uncertain significance for Inborn genetic diseases. Last evaluated: 2025-08-28. Review status: criteria provided, single submitter. Criteria: Ambry Variant Classification Scheme 2023. Collection method: clinical testing. Allele origin: germline.

Labcorp Genetics (formerly Invitae), Labcorp
Classification: Uncertain significance. Last evaluated: 2021-09-03. Review status: criteria provided, single submitter. Criteria: Invitae Variant Classification Sherloc (09022015). Collection method: clinical testing. Allele origin: germline.
Comment: This sequence change replaces arginine with tryptophan at codon 1182 of the PTPN23 protein (p.Arg1182Trp). The arginine residue is weakly conserved and there is a moderate physicochemical difference between arginine and tryptophan. This variant is present in population databases (rs777169819, ExAC 0.02%). This variant has not been reported in the literature in individuals affected with PTPN23-related conditions. Algorithms developed to predict the effect of missense changes on protein structure and function are either unavailable or do not agree on the potential impact of this missense change (SIFT: "Deleterious"; PolyPhen-2: "Probably Damaging"; Align-GVGD: "Class C0"). In summary, the available evidence is currently insufficient to determine the role of this variant in disease. Therefore, it has been classified as a Variant of Uncertain Significance.